The following is an entry in ClinVar:

ClinVar aggregate classification (germline): Likely pathogenic (1 of 4 stars; one submission).

gnomAD v4.1: 1 of 1,610,028 alleles (0.000062%); highest among the groups gnomAD compares: Admixed American, 0.0017%; no homozygotes.

Submission:

Labcorp Genetics (formerly Invitae), Labcorp
Classification: Likely pathogenic. Last evaluated: 2024-05-21. Review status: criteria provided, single submitter. Criteria: Invitae Variant Classification Sherloc (09022015). Collection method: clinical testing. Allele origin: germline.
Comment: This sequence change replaces tyrosine, which is neutral and polar, with histidine, which is basic and polar, at codon 127 of the SLC26A4 protein (p.Tyr127His). This variant is present in population databases (rs773173756, gnomAD 0.003%). This missense change has been observed in individual(s) with clinical features of SLC26A4-related conditions and/or deafness (Invitae). In at least one individual the data is consistent with being in trans (on the opposite chromosome) from a pathogenic variant. Advanced modeling of protein sequence and biophysical properties (such as structural, functional, and spatial information, amino acid conservation, physicochemical variation, residue mobility, and thermodynamic stability) performed at Invitae indicates that this missense variant is expected to disrupt SLC26A4 protein function with a positive predictive value of 95%. In summary, the currently available evidence indicates that the variant is pathogenic, but additional data are needed to prove that conclusively. Therefore, this variant has been classified as Likely Pathogenic.

NM_000441.2(SLC26A4):c.379T>C (p.Tyr127His)

Gene: SLC26A4 (solute carrier family 26 member 4; plus strand). Cytogenetic location: 7q22.3.
Variant type: single nucleotide variant.
Coding change: c.379T>C on transcript NM_000441.2 (MANE Select); coding-DNA position 379, T replaced by C.
Protein change: p.Tyr127His; replaces tyrosine 127 with histidine.
Molecular consequence: missense variant.
Genome position (GRCh38, 1-based): chr7:107,672,212, T>C. VCF-style: chr7-107672212-T-C. GRCh37 (hg19) VCF-style: chr7-107312657-T-C.
Other names: short protein forms Y127H.
Identifiers: ClinVar variation 3669304 (VCV003669304.2).
Genomic context (GRCh38, chr7:107,672,212, plus strand): 5'-CTACTAGCTGCAGTTCCTGTCGGATATGGTCTCTACTCTGCTTTTTTCCCTATCCTGACA[T>C]ACTTTATCTTTGGAACATCAAGACATATCTCAGTTGGTAATTATAAGTATATTTTACAAT-3'
Protein context (NP_000432.1, residues 117-137): LYSAFFPILT[Tyr127His]FIFGTSRHIS